The following is an entry in ClinVar:

NM_004447.6(EPS8):c.688A>G (p.Arg230Gly)

Gene: EPS8 (EGFR pathway substrate 8, signaling adaptor; minus strand). Cytogenetic location: 12p12.3.
Variant type: single nucleotide variant.
Coding change: c.688A>G on transcript NM_004447.6 (MANE Select); coding-DNA position 688, A replaced by G.
Protein change: p.Arg230Gly; replaces arginine 230 with glycine.
Molecular consequence: missense variant. On other transcripts: non-coding transcript variant (2).
Genome position (GRCh38, 1-based): chr12:15,665,804, T>C on the plus strand (A>G on the coding strand, the complement: EPS8 is on the minus strand). VCF-style: chr12-15665804-T-C. GRCh37 (hg19) VCF-style: chr12-15818738-T-C.
Other names: c.688A>G, p.Arg230Gly (NM_001413831.1, NM_001413832.1, NM_001413833.1 and 3 more transcripts); c.448A>G, p.Arg150Gly (NM_001413835.1, NM_001413836.1); c.271A>G, p.Arg91Gly (NM_001413837.1); short protein forms R150G, R230G, R91G.
Identifiers: ClinVar variation 2642763 (VCV002642763.24), dbSNP rs2540407050, ClinGen allele CA384033229.

ClinVar aggregate classification (germline): Uncertain significance (1 of 4 stars; one submission).

Submission:

CeGaT Center for Human Genetics Tuebingen
Classification: Uncertain significance. Last evaluated: 2023-03-01. Review status: criteria provided, single submitter. Criteria: CeGaT Center For Human Genetics Tuebingen Variant Classification Criteria Version 2. Collection method: clinical testing. Allele origin: germline. Affected: yes. Observed: 1 variant allele.
Comment: EPS8: PM2